The following is an entry in ClinVar:

NM_022458.4(LMBR1):c.1159-3C>T

Gene: LMBR1 (limb development membrane protein 1; minus strand). Cytogenetic location: 7q36.3.
Variant type: single nucleotide variant.
Coding change: c.1159-3C>T on transcript NM_022458.4 (MANE Select); 3 bases into the intron before coding-DNA position 1159, C replaced by T.
Molecular consequence: intron variant.
Genome position (GRCh38, 1-based): chr7:156,724,181, G>A on the plus strand (C>T on the coding strand, the complement: LMBR1 is on the minus strand). VCF-style: chr7-156724181-G-A. GRCh37 (hg19) VCF-style: chr7-156516875-G-A.
Other names: c.1096-3C>T (NM_001363412.2); c.880-3C>T (NM_001350954.2); c.1159-3C>T (NM_001363410.2); c.1282-3C>T (NM_001363409.2, NM_001350953.2); c.703-3C>T (NM_001350958.2, NM_001350956.2, NM_001350955.2 and 1 more transcripts); c.790-3C>T (NM_001350957.2, NM_001363411.2).
Identifiers: ClinVar variation 908397 (VCV000908397.4), dbSNP rs369446617, ClinGen allele CA4587811.

ClinVar aggregate classification (germline): Benign (1 of 4 stars; one submission).

Conditions:
Polydactyly of a triphalangeal thumb. Also called: Polydactyly, preaxial type II; POLYDACTYLY OF TRIPHALANGEAL THUMB; TRIPHALANGEAL THUMB-POLYDACTYLY SYNDROME. Identifiers: Orphanet 2439, Orphanet 2950, Orphanet 93336, MedGen C1868114, MONDO:0008270, OMIM 174500.

Allele frequency attached by ClinVar (database versions not stated): gnomAD 0.00001 and 0.00011; TOPMed 0.00002; gnomAD exomes 0.00031; ExAC 0.00043; 1000 Genomes Project 30x 0.00141; 1000 Genomes Project 0.00180.
gnomAD v4.1: 270 of 1,608,126 alleles (0.017%); highest among the groups gnomAD compares: South Asian, 0.28%; 5 homozygotes.

Submission:

Illumina Laboratory Services, Illumina
Classification: Benign for Polydactyly of a triphalangeal thumb. Last evaluated: 2018-01-13. Review status: criteria provided, single submitter. Criteria: ICSL Variant Classification Criteria 13 December 2019. Collection method: clinical testing. Allele origin: germline.
Comment: This variant was observed in the ICSL laboratory as part of a predisposition screen in an ostensibly healthy population. It had not been previously curated by ICSL or reported in the Human Gene Mutation Database (HGMD: prior to June 1st, 2018), and was therefore a candidate for classification through an automated scoring system. Utilizing variant allele frequency, disease prevalence and penetrance estimates, and inheritance mode, an automated score was calculated to assess if this variant is too frequent to cause the disease. Based on the score and internal cut-off values, a variant classified as benign is not then subjected to further curation. The score for this variant resulted in a classification of benign for this disease.